The following is an entry in ClinVar:

NM_145200.5(CABP4):c.370del (p.Arg124fs)

Gene: CABP4 (calcium binding protein 4; plus strand). Cytogenetic location: 11q13.2.
Variant type: Deletion.
Coding change: c.370del on transcript NM_145200.5 (MANE Select); coding-DNA position 370, one base deleted (C; older notation c.370delC).
Protein change: p.Arg124fs; shifts the reading frame from arginine 124.
Molecular consequence: frameshift variant.
Genome position (GRCh38, 1-based): chr11:67,456,191, C deleted; the last of 2 consecutive C bases (chr11:67,456,190-67,456,191); deleting either gives the same sequence. VCF-style (leftmost placement, unchanged base first): chr11-67456189-AC-A. GRCh37 (hg19) VCF-style: chr11-67223660-AC-A.
Other names: c.55del, p.Arg19fs (NM_001300895.3, NM_001300896.3, NM_001379183.1); short protein forms R124fs, R19fs.
Identifiers: ClinVar variation 1075268 (VCV001075268.9), dbSNP rs1482314855, ClinGen allele CA679481923.

ClinVar aggregate classification (germline): Pathogenic/Likely pathogenic. Review status: criteria provided, multiple submitters, no conflicts (2 of 4 stars). 3 submissions from 3 submitters: Pathogenic (1); Likely pathogenic (1). 1 of the submissions does not count toward it. Last evaluated 2023-09-25.

Conditions:
CABP4-related disorder. Also called: CABP4-related condition.
Retinal dystrophy. Also called: Inherited retinal dystrophy. Identifiers: Orphanet 71862, MedGen C0854723, MeSH D058499, MONDO:0019118, HP:0000556.

Submissions (3):

Labcorp Genetics (formerly Invitae), Labcorp
Classification: Pathogenic. Last evaluated: 2023-09-25. Review status: criteria provided, single submitter. Criteria: Invitae Variant Classification Sherloc (09022015). Collection method: clinical testing. Allele origin: germline.
Comment: This sequence change creates a premature translational stop signal (p.Arg124Alafs*8) in the CABP4 gene. It is expected to result in an absent or disrupted protein product. Loss-of-function variants in CABP4 are known to be pathogenic (PMID: 25307992). This variant is not present in population databases (gnomAD no frequency). This variant has not been reported in the literature in individuals affected with CABP4-related conditions. ClinVar contains an entry for this variant (Variation ID: 1075268). For these reasons, this variant has been classified as Pathogenic.

Blueprint Genetics
Classification: Likely pathogenic for CABP4-related disorders. Last evaluated: 2023-02-09. Review status: criteria provided, single submitter. Criteria: ACMG Guidelines, 2015. Collection method: clinical testing. Allele origin: germline. Affected: yes. Observed: 3 variant alleles.

Institute of Human Genetics, Univ. Regensburg, Univ. Regensburg
Classification: Pathogenic for Retinal dystrophy. Last evaluated: 2022-01-01. Review status: no assertion criteria provided. Criteria: ACMG Guidelines, 2015. Collection method: clinical testing. Allele origin: germline. Affected: yes. Not counted in ClinVar's aggregate classification.

Literature cited by the submitters: PubMed 25307992 (cited by Labcorp Genetics (formerly Invitae), Labcorp).